The following is an entry in ClinVar:

ClinVar aggregate classification (germline): Pathogenic/Likely pathogenic. Review status: criteria provided, multiple submitters, no conflicts (2 of 4 stars). 3 submissions from 3 submitters: Pathogenic (1); Likely pathogenic (1). 1 of the submissions does not count toward it. Last evaluated 2025-01-08.

Conditions:
Alstrom syndrome (ALMS). Identifiers: Orphanet 64, MedGen C0268425, MONDO:0008763, OMIM 203800.

gnomAD v4.1: 6 of 1,612,236 alleles (0.00037%); highest among the groups gnomAD compares: Non-Finnish European, 0.00051%; no homozygotes.

Submissions (3):

Natera, Inc.
Classification: Likely pathogenic for Alstrom syndrome. Last evaluated: 2025-01-08. Review status: criteria provided, single submitter. Criteria: Natera Variant Classification Schema (03/2026). Collection method: clinical testing. Allele origin: germline.
Comment: The c.8383C>T variant in ALMS1 is a nonsense variant predicted to introduce a stop codon at amino acid 2795. This variant is expected to result in nonsense mediated decay, truncation, or a dysfunctional protein product. This variant is rare in the general population with a frequency below the threshold expected for the associated phenotype(s). Given the available evidence, this variant is classified as Likely Pathogenic.

Labcorp Genetics (formerly Invitae), Labcorp
Classification: Pathogenic for Alstrom syndrome. Last evaluated: 2024-07-19. Review status: criteria provided, single submitter. Criteria: Invitae Variant Classification Sherloc (09022015). Collection method: clinical testing. Allele origin: germline.
Comment: This sequence change creates a premature translational stop signal (p.Gln2795*) in the ALMS1 gene. It is expected to result in an absent or disrupted protein product. Loss-of-function variants in ALMS1 are known to be pathogenic (PMID: 17594715). This variant is not present in population databases (gnomAD no frequency). This premature translational stop signal has been observed in individual(s) with Alstrom syndrome (PMID: 11941369). ClinVar contains an entry for this variant (Variation ID: 3970). For these reasons, this variant has been classified as Pathogenic.

OMIM
Classification: Pathogenic for ALSTROM SYNDROME. Last evaluated: 2002-05-01. Review status: no assertion criteria provided. Collection method: literature only. Allele origin: germline. Not counted in ClinVar's aggregate classification.

Literature cited by the submitters: PubMed 17594715 (cited by Labcorp Genetics (formerly Invitae), Labcorp); PubMed 11941369 (cited by Labcorp Genetics (formerly Invitae), Labcorp and OMIM).

NM_001378454.1(ALMS1):c.8380C>T (p.Gln2794Ter)

Gene: ALMS1 (ALMS1 centrosome and basal body associated protein; plus strand). Cytogenetic location: 2p13.1.
Variant type: single nucleotide variant.
Coding change: c.8380C>T on transcript NM_001378454.1 (MANE Select); coding-DNA position 8380, C replaced by T.
Protein change: p.Gln2794Ter; replaces glutamine 2794 with a stop codon.
Molecular consequence: nonsense.
Genome position (GRCh38, 1-based): chr2:73,490,339, C>T. VCF-style: chr2-73490339-C-T. GRCh37 (hg19) VCF-style: chr2-73717466-C-T.
Other names: E2795*; c.8383C>T, p.Gln2795Ter (NM_015120.4); short protein forms Q2795*, Q2794*.
Identifiers: ClinVar variation 3970 (VCV000003970.7), dbSNP rs193919338, ClinGen allele CA252950.